The following is an entry in ClinVar:

NM_001378452.1(ITPR1):c.962A>G (p.Asp321Gly)

Gene: ITPR1 (inositol 1,4,5-trisphosphate receptor type 1; plus strand). Cytogenetic location: 3p26.1.
Variant type: single nucleotide variant.
Coding change: c.962A>G on transcript NM_001378452.1 (MANE Select); coding-DNA position 962, A replaced by G.
Protein change: p.Asp321Gly; replaces aspartic acid 321 with glycine.
Molecular consequence: missense variant. On other transcripts: intron variant (2).
Genome position (GRCh38, 1-based): chr3:4,653,852, A>G. VCF-style: chr3-4653852-A-G. GRCh37 (hg19) VCF-style: chr3-4695536-A-G.
Other names: c.962A>G, p.Asp321Gly (NM_001099952.4); c.951+1634A>G (NM_001168272.2, NM_002222.7); short protein forms D321G.
Identifiers: ClinVar variation 5020367 (VCV005020367.1).

ClinVar aggregate classification (germline): Uncertain significance (1 of 4 stars; one submission).

gnomAD v4.1: 4 of 1,610,468 alleles (0.00025%); highest among the groups gnomAD compares: African/African-American, 0.0053%; no homozygotes.

Submission:

Dasa
Classification: Uncertain significance. Last evaluated: 2026-08-09. Review status: criteria provided, single submitter. Criteria: DASA Assertion Criteria. Collection method: clinical testing. Allele origin: germline.
Comment: NM_001378452.1(ITPR1):c.962A>G (p.Asp321Gly) is a missense variant that results in the substitution of aspartic acid with glycine. This variant is rare in population databases. Computational prediction algorithms are consistent with a deleterious effect. The currently available literature and clinical evidence are not sufficient to establish a definitive association between this variant and the reported condition. Therefore, this variant is classified as a variant of uncertain significance.